The following is an entry in ClinVar:

NM_053025.4(MYLK):c.248G>A (p.Cys83Tyr)

Gene: MYLK (myosin light chain kinase; minus strand). Cytogenetic location: 3q21.1.
Variant type: single nucleotide variant.
Coding change: c.248G>A on transcript NM_053025.4 (MANE Select); coding-DNA position 248, G replaced by A.
Protein change: p.Cys83Tyr; replaces cysteine 83 with tyrosine.
Molecular consequence: missense variant. On other transcripts: intron variant (1).
Genome position (GRCh38, 1-based): chr3:123,752,456, C>T on the plus strand (G>A on the coding strand, the complement: MYLK is on the minus strand). VCF-style: chr3-123752456-C-T. GRCh37 (hg19) VCF-style: chr3-123471303-C-T.
Other names: c.248G>A, p.Cys83Tyr (NM_053026.4, NM_053027.4, NM_053028.4); c.-155-12455G>A (NM_001321309.2); short protein forms C83Y.
Identifiers: ClinVar variation 1513245 (VCV001513245.8), dbSNP rs2108881147, ClinGen allele CA354244731.

ClinVar aggregate classification (germline): Uncertain significance (1 of 4 stars; one submission).

Conditions:
Aortic aneurysm, familial thoracic 7 (AAT7). Also called: AORTIC DISSECTION, FAMILIAL, WITH OR WITHOUT AORTIC ANEURYSM. Identifiers: MedGen C3151077, MONDO:0013418, OMIM 613780.

Submission:

Labcorp Genetics (formerly Invitae), Labcorp
Classification: Uncertain significance for Aortic aneurysm, familial thoracic 7. Last evaluated: 2021-08-07. Review status: criteria provided, single submitter. Criteria: Invitae Variant Classification Sherloc (09022015). Collection method: clinical testing. Allele origin: germline.
Comment: This sequence change replaces cysteine with tyrosine at codon 83 of the MYLK protein (p.Cys83Tyr). The cysteine residue is highly conserved and there is a large physicochemical difference between cysteine and tyrosine. This variant is not present in population databases (ExAC no frequency). This variant has not been reported in the literature in individuals with MYLK-related conditions. Advanced modeling of protein sequence and biophysical properties (such as structural, functional, and spatial information, amino acid conservation, physicochemical variation, residue mobility, and thermodynamic stability) performed at Invitae indicates that this missense variant is not expected to disrupt MYLK protein function. In summary, the available evidence is currently insufficient to determine the role of this variant in disease. Therefore, it has been classified as a Variant of Uncertain Significance.